The following is an entry in ClinVar:

NM_024675.4(PALB2):c.1901C>A (p.Pro634Gln)

Gene: PALB2 (partner and localizer of BRCA2; minus strand). Cytogenetic location: 16p12.2.
Variant type: single nucleotide variant.
Coding change: c.1901C>A on transcript NM_024675.4 (MANE Select); coding-DNA position 1901, C replaced by A.
Protein change: p.Pro634Gln; replaces proline 634 with glutamine.
Molecular consequence: missense variant. On other transcripts: intron variant (1).
Genome position (GRCh38, 1-based): chr16:23,630,253, G>T on the plus strand (C>A on the coding strand, the complement: PALB2 is on the minus strand). VCF-style: chr16-23630253-G-T. GRCh37 (hg19) VCF-style: chr16-23641574-G-T.
Other names: c.1841C>A, p.Pro614Gln (NM_001407296.1); c.1901C>A, p.Pro634Gln (NM_001407297.1, NM_001407298.1, NM_001407299.1 and 3 more transcripts); c.1016C>A, p.Pro339Gln (NM_001407304.1, NM_001407305.1, NM_001407306.1 and 5 more transcripts); c.113C>A, p.Pro38Gln (NM_001407312.1, NM_001407313.1); c.49-978C>A (NM_001407314.1); short protein forms P339Q, P38Q, P614Q, P634Q.
Identifiers: ClinVar variation 2851075 (VCV002851075.3), dbSNP rs761829458, ClinGen allele CA395127576.

ClinVar aggregate classification (germline): Uncertain significance (1 of 4 stars; one submission).

Conditions:
Familial cancer of breast. Also called: BREAST CANCER, FAMILIAL; hereditary breast carcinoma; Hereditary breast cancer. Identifiers: Orphanet 227535, MedGen C0346153, MONDO:0016419, OMIM 114480. Disease mechanism: loss of function.

Submission:

Labcorp Genetics (formerly Invitae), Labcorp
Classification: Uncertain significance for Familial cancer of breast. Last evaluated: 2023-03-30. Review status: criteria provided, single submitter. Criteria: Invitae Variant Classification Sherloc (09022015). Collection method: clinical testing. Allele origin: germline.
Comment: This variant is not present in population databases (gnomAD no frequency). In summary, the available evidence is currently insufficient to determine the role of this variant in disease. Therefore, it has been classified as a Variant of Uncertain Significance. Advanced modeling of protein sequence and biophysical properties (such as structural, functional, and spatial information, amino acid conservation, physicochemical variation, residue mobility, and thermodynamic stability) performed at Invitae indicates that this missense variant is not expected to disrupt PALB2 protein function. This variant has not been reported in the literature in individuals affected with PALB2-related conditions. This sequence change replaces proline, which is neutral and non-polar, with glutamine, which is neutral and polar, at codon 634 of the PALB2 protein (p.Pro634Gln).